The following is an entry in ClinVar:

ClinVar aggregate classification (germline): Uncertain significance (1 of 4 stars; one submission).

Allele frequency attached by ClinVar (database versions not stated): gnomAD exomes below 0.00001.
gnomAD v4.1: 3 of 1,575,178 alleles (0.00019%); highest among the groups gnomAD compares: African/African-American, 0.0027%; no homozygotes.

Submission:

Labcorp Genetics (formerly Invitae), Labcorp
Classification: Uncertain significance. Last evaluated: 2022-09-10. Review status: criteria provided, single submitter. Criteria: Invitae Variant Classification Sherloc (09022015). Collection method: clinical testing. Allele origin: germline.
Comment: In summary, the available evidence is currently insufficient to determine the role of this variant in disease. Therefore, it has been classified as a Variant of Uncertain Significance. Advanced modeling of protein sequence and biophysical properties (such as structural, functional, and spatial information, amino acid conservation, physicochemical variation, residue mobility, and thermodynamic stability) performed at Invitae indicates that this missense variant is not expected to disrupt LEMD3 protein function. This variant has not been reported in the literature in individuals affected with LEMD3-related conditions. This variant is not present in population databases (gnomAD no frequency). This sequence change replaces asparagine, which is neutral and polar, with aspartic acid, which is acidic and polar, at codon 529 of the LEMD3 protein (p.Asn529Asp).

NM_014319.5(LEMD3):c.1585A>G (p.Asn529Asp)

Gene: LEMD3 (LEM domain containing 3; plus strand). Cytogenetic location: 12q14.3.
Variant type: single nucleotide variant.
Coding change: c.1585A>G on transcript NM_014319.5 (MANE Select); coding-DNA position 1585, A replaced by G.
Protein change: p.Asn529Asp; replaces asparagine 529 with aspartic acid.
Molecular consequence: missense variant.
Genome position (GRCh38, 1-based): chr12:65,216,001, A>G. VCF-style: chr12-65216001-A-G. GRCh37 (hg19) VCF-style: chr12-65609781-A-G.
Other names: c.1582A>G, p.Asn528Asp (NM_001167614.2); short protein forms N528D, N529D.
Identifiers: ClinVar variation 1986581 (VCV001986581.4), dbSNP rs1187258687, ClinGen allele CA385677295.